The following is an entry in ClinVar:

NM_004519.4(KCNQ3):c.2545G>T (p.Gly849Cys)

Gene: KCNQ3 (potassium voltage-gated channel subfamily Q member 3; minus strand). Cytogenetic location: 8q24.22.
Variant type: single nucleotide variant.
Coding change: c.2545G>T on transcript NM_004519.4 (MANE Select); coding-DNA position 2545, G replaced by T.
Protein change: p.Gly849Cys; replaces glycine 849 with cysteine.
Molecular consequence: missense variant.
Genome position (GRCh38, 1-based): chr8:132,129,336, C>A on the plus strand (G>T on the coding strand, the complement: KCNQ3 is on the minus strand). VCF-style: chr8-132129336-C-A. GRCh37 (hg19) VCF-style: chr8-133141583-C-A.
Other names: c.2185G>T, p.Gly729Cys (NM_001204824.2); short protein forms G849C, G729C.
Identifiers: ClinVar variation 1428233 (VCV001428233.8), dbSNP rs761201259, ClinGen allele CA372215532.

ClinVar aggregate classification (germline): Uncertain significance (1 of 4 stars; one submission).

Conditions:
Benign neonatal seizures. Also called: Convulsions benign familial neonatal dominant form; Autosomal dominant form of benign neonatal seizures; Benign familial neonatal epilepsy; Benign familial neonatal seizures; Benign neonatal familial convulsions. Identifiers: Orphanet 1949, MedGen C0220669, MONDO:0016027.

Submission:

Labcorp Genetics (formerly Invitae), Labcorp
Classification: Uncertain significance for Benign neonatal seizures. Last evaluated: 2025-10-01. Review status: criteria provided, single submitter. Criteria: Invitae Variant Classification Sherloc (09022015). Collection method: clinical testing. Allele origin: germline.
Comment: This sequence change replaces glycine, which is neutral and non-polar, with cysteine, which is neutral and slightly polar, at codon 849 of the KCNQ3 protein (p.Gly849Cys). This variant is not present in population databases (gnomAD no frequency). This variant has not been reported in the literature in individuals affected with KCNQ3-related conditions. ClinVar contains an entry for this variant (Variation ID: 1428233). Invitae Evidence Modeling of protein sequence and biophysical properties (such as structural, functional, and spatial information, amino acid conservation, physicochemical variation, residue mobility, and thermodynamic stability) has been performed for this missense variant. However, the output from this modeling did not meet the statistical confidence thresholds required to predict the impact of this variant on KCNQ3 protein function. In summary, the available evidence is currently insufficient to determine the role of this variant in disease. Therefore, it has been classified as a Variant of Uncertain Significance.